The following is an entry in ClinVar:

ClinVar aggregate classification (germline): Conflicting classifications of pathogenicity. Review status: criteria provided, conflicting classifications (1 of 4 stars). 2 submissions from 2 submitters: Uncertain significance (1); Likely benign (1). Last evaluated 2023-03-23.

Conditions:
Hereditary cancer-predisposing syndrome. Also called: Tumor predisposition; Hereditary Cancer Syndrome; Neoplastic Syndromes, Hereditary; Hereditary neoplastic syndrome. Identifiers: Orphanet 140162, MedGen C0027672, MeSH D009386, MONDO:0015356.

Submissions (2):

University of Washington Department of Laboratory Medicine, University of Washington
Classification: Likely benign for Hereditary cancer-predisposing syndrome. Last evaluated: 2023-03-23. Review status: criteria provided, single submitter. Criteria: Dines et al. (Genet Med. 2020). Collection method: curation. Allele origin: germline.
Comment: Missense variant in a coldspot region where missense variants are very unlikely to be pathogenic (PMID:31911673).

BRCA2 exon 11 coldspot. Reclassification based on statistical prior probability.

Color Diagnostics, LLC DBA Color Health
Classification: Uncertain significance for Hereditary cancer-predisposing syndrome. Last evaluated: 2021-06-08. Review status: criteria provided, single submitter. Criteria: ACMG Guidelines, 2015. Collection method: clinical testing. Allele origin: germline.
Comment: This missense variant replaces serine with asparagine at codon 767 of the BRCA2 protein. Computational prediction suggests that this variant may not impact protein structure and function (internally defined REVEL score threshold <= 0.5, PMID: 27666373). To our knowledge, functional studies have not been reported for this variant. This variant has not been reported in individuals affected with hereditary cancer in the literature. This variant has not been identified in the general population by the Genome Aggregation Database (gnomAD). The available evidence is insufficient to determine the role of this variant in disease conclusively. Therefore, this variant is classified as a Variant of Uncertain Significance.

NM_000059.4(BRCA2):c.2300G>A (p.Ser767Asn)

Gene: BRCA2 (BRCA2 DNA repair associated; plus strand). Cytogenetic location: 13q13.1.
Variant type: single nucleotide variant.
Coding change: c.2300G>A on transcript NM_000059.4 (MANE Select); coding-DNA position 2300, G replaced by A.
Protein change: p.Ser767Asn; replaces serine 767 with asparagine.
Molecular consequence: missense variant.
Genome position (GRCh38, 1-based): chr13:32,336,655, G>A. VCF-style: chr13-32336655-G-A. GRCh37 (hg19) VCF-style: chr13-32910792-G-A.
Other names: short protein forms S767N.
Identifiers: ClinVar variation 1332526 (VCV001332526.4), dbSNP rs2137485146, ClinGen allele CA387771292.